The following is an entry in ClinVar:

ClinVar aggregate classification (germline): Pathogenic. Review status: criteria provided, multiple submitters, no conflicts (2 of 4 stars). 8 submissions from 8 submitters: Pathogenic (8). Last evaluated 2025-05-22.

Conditions:
Recessive dystrophic epidermolysis bullosa (RDEB). Also called: severe generalized recessive dystrophic epidermolysis bullosa; EPIDERMOLYSIS BULLOSA DYSTROPHICA, GENERALIZED SEVERE, AUTOSOMAL RECESSIVE; Epidermolysis Bullosa Distrophica Autosomal Recessive (RDEB); DYSTROPHIC EPIDERMOLYSIS BULLOSA, AUTOSOMAL RECESSIVE; EPIDERMOLYSIS BULLOSA DYSTROPHICA, HALLOPEAU-SIEMENS TYPE; epidermolysis bullosa dystrophica, autosomal recessive. Identifiers: Orphanet 79408, Orphanet 79409, MedGen C0079474, MONDO:0009179, OMIM 226600.
Transient bullous dermolysis of the newborn (TBDN). Also called: DYSTROPHIC EPIDERMOLYSIS BULLOSA, NEONATAL; EPIDERMOLYSIS BULLOSA DYSTROPHICA, NEONATAL FORM. Identifiers: Orphanet 79411, MedGen C1851573, MONDO:0007548, OMIM 131705.
Epidermolysis bullosa pruriginosa. Also called: DEB, PRURIGINOSA; DYSTROPHIC EPIDERMOLYSIS BULLOSA PRURIGINOSA. Identifiers: Orphanet 89843, MedGen C1275114, MONDO:0011398, OMIM 604129.
Nonsyndromic congenital nail disorder 8. Also called: TOENAIL DYSTROPHY, ISOLATED. Identifiers: MedGen C1843761, MONDO:0011852, OMIM 607523.
Generalized dominant dystrophic epidermolysis bullosa (DDEB). Also called: DDEB, generalized; DDEB-gen; DYSTROPHIC EPIDERMOLYSIS BULLOSA, AUTOSOMAL DOMINANT; Epidermolysis bullosa dystrophica, autosomal dominant; Dominant DEB (DDEB). Identifiers: Orphanet 231568, MedGen C0432322, MONDO:0007549, OMIM 131750.
Pretibial dystrophic epidermolysis bullosa. Also called: Pretibial blistering; EPIDERMOLYSIS BULLOSA DYSTROPHICA, PRETIBIAL; Pretibial epidermolysis bullosa. Identifiers: Orphanet 79410, MedGen C0432321, MONDO:0007552, OMIM 131850, HP:0012221.
Dominant dystrophic epidermolysis bullosa with absence of skin. Also called: EPIDERMOLYSIS BULLOSA WITH CONGENITAL LOCALIZED ABSENCE OF SKIN AND DEFORMITY OF NAILS; EPIDERMOLYSIS BULLOSA DYSTROPHICA, BART TYPE. Identifiers: MedGen C0268371, MONDO:0007557, OMIM 132000.
COL7A1-related disorder. Also called: COL7A1-related condition; COL7A1- related disorders.
Epidermolysis bullosa dystrophica. Also called: Dystrophic epidermolysis bullosa, Hallopeau-Siemens type (formerly); Dystrophic epidermolysis bullosa. Identifiers: Orphanet 303, MedGen C0079294, MONDO:0006543.

Submissions (8):

Labcorp Genetics (formerly Invitae), Labcorp
Classification: Pathogenic. Last evaluated: 2025-05-22. Review status: criteria provided, single submitter. Criteria: Invitae Variant Classification Sherloc (09022015). Collection method: clinical testing. Allele origin: germline.
Comment: This sequence change creates a premature translational stop signal (p.Arg2492*) in the COL7A1 gene. It is expected to result in an absent or disrupted protein product. Loss-of-function variants in COL7A1 are known to be pathogenic (PMID: 16971478). This variant is present in population databases (rs765529435, gnomAD 0.003%). This premature translational stop signal has been observed in individual(s) with autosomal recessive dystrophic epidermolysis bullosa (PMID: 12485454, 32484238, 33274474). ClinVar contains an entry for this variant (Variation ID: 1048050). For these reasons, this variant has been classified as Pathogenic.

Natera, Inc.
Classification: Pathogenic for Dystrophic epidermolysis bullosa. Last evaluated: 2025-03-14. Review status: criteria provided, single submitter. Criteria: Natera Variant Classification Schema (03/2026). Collection method: clinical testing. Allele origin: germline.
Comment: The c.7474C>T variant in COL7A1 is a nonsense variant predicted to introduce a stop codon at amino acid 2492. This variant is expected to result in nonsense mediated decay, truncation, or a dysfunctional protein product. This variant is rare in the general population with a frequency below the threshold expected for the associated phenotype(s). This variant has been observed in one or more individuals affected with the associated recessive disease, as either homozygous or compound heterozygous with a second variant (PMID: 33274474). Given the available evidence, this variant is classified as Pathogenic.

Myriad Genetics, Inc.
Classification: Pathogenic for Recessive dystrophic epidermolysis bullosa. Last evaluated: 2024-08-28. Review status: criteria provided, single submitter. Criteria: Myriad Autosomal Dominant, Autosomal Recessive and X-Linked Classification Criteria (2023). Collection method: clinical testing. Allele origin: unknown.
Comment: NM_000094.3(COL7A1):c.7474C>T(R2492*) is expected to be pathogenic in the context of dystrophic epidermolysis bullosa. This variant is predicted to lead to an abnormal or absent protein product due to the creation of a premature termination codon in COL7A1, a gene where loss-of-function variants are known to be pathogenic. Please note: this variant was assessed in the context of healthy population screening.

Fulgent Genetics
Classification: Pathogenic for Transient bullous dermolysis of the newborn; Generalized dominant dystrophic epidermolysis bullosa; Pretibial dystrophic epidermolysis bullosa; Dominant dystrophic epidermolysis bullosa with absence of skin; Recessive dystrophic epidermolysis bullosa; Epidermolysis bullosa pruriginosa; Nonsyndromic congenital nail disorder 8. Last evaluated: 2024-05-23. Review status: criteria provided, single submitter. Criteria: ACMG Guidelines, 2015. Collection method: clinical testing. Allele origin: germline.

Women's Health and Genetics/Laboratory Corporation of America, LabCorp
Classification: Pathogenic for COL7A1-Related Disorders. Last evaluated: 2023-08-24. Review status: criteria provided, single submitter. Criteria: LabCorp Variant Classification Summary - May 2015. Collection method: clinical testing. Allele origin: germline.
Comment: Variant summary: COL7A1 c.7474C>T (p.Arg2492X) results in a premature termination codon, predicted to cause a truncation of the encoded protein or absence of the protein due to nonsense mediated decay, which are commonly known mechanisms for disease. The variant allele was found at a frequency of 8e-06 in 251366 control chromosomes (i.e., 2 heterozygotes; gnomAD v2.1 Exomes dataset). The available data on variant occurrences in the general population are insufficient to allow any conclusion about variant significance. c.7474C>T has been reported in the literature in individuals affected with Dystrophic Epidermolysis Bullosa, Recessive (e.g., Gardella_2002, Robertson_2021). These data indicate that the variant is very likely to be associated with disease. The following publications have been ascertained in the context of this evaluation (PMID: 12485454, 34230977). Three submitters have reported clinical-significance assessments for this variant to ClinVar after 2014. All submitters classified the variant as pathogenic. Based on the evidence outlined above, the variant was classified as pathogenic.

Victorian Clinical Genetics Services, Murdoch Childrens Research Institute
Classification: Pathogenic for Recessive dystrophic epidermolysis bullosa. Last evaluated: 2022-03-31. Review status: criteria provided, single submitter. Criteria: ACMG Guidelines, 2015. Collection method: clinical testing. Allele origin: germline. Inheritance: Autosomal recessive inheritance. Affected: yes.
Comment: Based on the classification scheme VCGS_Germline_v1.3.4, this variant is classified as Pathogenic. Following criteria are met: 0103 - Dominant negative and loss of function are known mechanisms of disease in this gene and are associated with dystrophic epidermolysis bullosa (OMIM, PMID: 31670143). (I) 0108 - This gene is associated with both recessive and dominant disease. The spectrum of dystrophic epidermolysis bullosa associated with this gene can be either autosomal dominant or recessive inheritance. Autosomal dominant epidermolysis bullosa dystrophica (MIM#131750) is typically associated with milder phenotypes, whereas autosomal recessive epidermolysis bullosa dystrophica (MIM#226600) is usually observed in more severe cases (OMIM). Premature termination variants resulting in complete absence of protein are usually associated with the most severe recessive dystrophic epidermolysis bullosa (PMID: 32506467). (I) 0201 - Variant is predicted to cause nonsense-mediated decay (NMD) and loss of protein (premature termination codon is located at least 54 nucleotides upstream of the final exon-exon junction). (SP) 0251 - This variant is heterozygous. (I) 0304 - Variant is present in gnomAD <0.01 (2 heterozygotes, 0 homozygotes). (SP) 0701 - Other premature termination variants comparable to the one identified in this case have very strong previous evidence for pathogenicity. Many NMD-predicted variants in this gene have been reported as likely pathogenic/pathogenic (ClinVar). (SP) 0801 - This variant has strong previous evidence of pathogenicity in unrelated individuals. It has been reported in many individuals with autosomal recessive dystrophic epidermolysis bullosa (PMIDs: 12485454, 16965329, 24252097, 31786163, 32484238). (I) Legend: (SP) - Supporting pathogenic, (I) - Information, (SB) - Supporting benign

Center for Research in Genodermatoses and Epidermolysis Bullosa, University of Buenos Aires
Classification: Pathogenic for Recessive dystrophic epidermolysis bullosa. Last evaluated: 2022-03-14. Review status: criteria provided, single submitter. Criteria: ACMG Guidelines, 2015. Collection method: clinical testing. Allele origin: paternal. Affected: yes. Observed: 1 variant allele, 1 compound heterozygote.

Biomedical Innovation Departament, CIEMAT
Classification: Pathogenic for Dystrophic epidermolysis bullosa. Last evaluated: 2018-05-03. Review status: criteria provided, single submitter. Criteria: ACMG Guidelines, 2015. Collection method: research. Allele origin: germline. Affected: yes. Observed: 1 variant allele.

Literature cited by the submitters: PubMed 16971478 (cited by Labcorp Genetics (formerly Invitae), Labcorp); PubMed 12485454 (cited by 4 submitters); PubMed 32484238 (cited by Labcorp Genetics (formerly Invitae), Labcorp and Victorian Clinical Genetics Services, Murdoch Childrens Research Institute); PubMed 33274474 (cited by Labcorp Genetics (formerly Invitae), Labcorp and Natera, Inc.); PubMed 34230977 (cited by Women's Health and Genetics/Laboratory Corporation of America, LabCorp); PubMed 16965329 (cited by Victorian Clinical Genetics Services, Murdoch Childrens Research Institute); PubMed 24252097 (cited by Victorian Clinical Genetics Services, Murdoch Childrens Research Institute); PubMed 31670143 (cited by Victorian Clinical Genetics Services, Murdoch Childrens Research Institute); PubMed 31786163 (cited by Victorian Clinical Genetics Services, Murdoch Childrens Research Institute); PubMed 32506467 (cited by Victorian Clinical Genetics Services, Murdoch Childrens Research Institute); PubMed 35979658 (cited by Center for Research in Genodermatoses and Epidermolysis Bullosa, University of Buenos Aires); PubMed 19694005 (cited by Biomedical Innovation Departament, CIEMAT).

NM_000094.4(COL7A1):c.7474C>T (p.Arg2492Ter)

Gene: COL7A1 (collagen type VII alpha 1 chain; minus strand). Cytogenetic location: 3p21.31.
Variant type: single nucleotide variant.
Coding change: c.7474C>T on transcript NM_000094.4 (MANE Select); coding-DNA position 7474, C replaced by T.
Protein change: p.Arg2492Ter; replaces arginine 2492 with a stop codon.
Molecular consequence: nonsense.
Genome position (GRCh38, 1-based): chr3:48,570,145, G>A on the plus strand (C>T on the coding strand, the complement: COL7A1 is on the minus strand). VCF-style: chr3-48570145-G-A. GRCh37 (hg19) VCF-style: chr3-48607578-G-A.
Other names: c.7474C>T (NM_000094.3); short protein forms R2492*.
Identifiers: ClinVar variation 1048050 (VCV001048050.30), dbSNP rs765529435, ClinGen allele CA2378489.